The following is an entry in ClinVar:

ClinVar aggregate classification (germline): Uncertain significance (1 of 4 stars; one submission).

Submission:

Labcorp Genetics (formerly Invitae), Labcorp
Classification: Uncertain significance. Last evaluated: 2020-08-04. Review status: criteria provided, single submitter. Criteria: Invitae Variant Classification Sherloc (09022015). Collection method: clinical testing. Allele origin: germline.
Comment: This variant is not present in population databases (ExAC no frequency). This variant has not been reported in the literature in individuals with KLHL7-related conditions. Algorithms developed to predict the effect of missense changes on protein structure and function are either unavailable or do not agree on the potential impact of this missense change (SIFT: "Deleterious"; PolyPhen-2: "Possibly Damaging"; Align-GVGD: "Class C0"). Nucleotide substitutions within the consensus splice site are a relatively common cause of aberrant splicing (PMID: 17576681, 9536098). Algorithms developed to predict the effect of sequence changes on RNA splicing suggest that this variant may disrupt the consensus splice site, but this prediction has not been confirmed by published transcriptional studies. In summary, the available evidence is currently insufficient to determine the role of this variant in disease. Therefore, it has been classified as a Variant of Uncertain Significance. This sequence change replaces glutamine with histidine at codon 40 of the KLHL7 protein (p.Gln40His). The glutamine residue is moderately conserved and there is a small physicochemical difference between glutamine and histidine. This variant also falls at the last nucleotide of exon 1 of the KLHL7 coding sequence, which is part of the consensus splice site for this exon.

Literature cited by the submitters: PubMed 17576681; PubMed 9536098.

NM_001031710.3(KLHL7):c.120G>C (p.Gln40His)

Gene: KLHL7 (kelch like family member 7; plus strand). Cytogenetic location: 7p15.3.
Variant type: single nucleotide variant.
Coding change: c.120G>C on transcript NM_001031710.3 (MANE Select); coding-DNA position 120, G replaced by C.
Protein change: p.Gln40His; replaces glutamine 40 with histidine.
Molecular consequence: missense variant. On other transcripts: non-coding transcript variant (2).
Genome position (GRCh38, 1-based): chr7:23,106,146, G>C. VCF-style: chr7-23106146-G-C. GRCh37 (hg19) VCF-style: chr7-23145765-G-C.
Other names: c.120G>C, p.Gln40His (NM_001172428.2); short protein forms Q40H.
Identifiers: ClinVar variation 1001943 (VCV001001943.8), dbSNP rs1782625125, ClinGen allele CA366972854.